The following is an entry in ClinVar:

ClinVar aggregate classification (germline): Uncertain significance (1 of 4 stars; one submission).

Conditions:
Malignant hyperthermia, susceptibility to, 5 (MHS5). Also called: CACNA1S-Related Malignant Hyperthermia Susceptibility. Identifiers: Orphanet 423, MedGen C1866077, MONDO:0011163, OMIM 601887.

Submission:

All of Us Research Program, National Institutes of Health
Classification: Uncertain significance for Malignant hyperthermia, susceptibility to, 5. Last evaluated: 2023-06-26. Review status: criteria provided, single submitter. Criteria: ACMG Guidelines, 2015. Collection method: clinical testing. Allele origin: germline. Inheritance: Autosomal dominant inheritance. Observed: 1 variant allele, 1 heterozygote.
Comment: This missense variant replaces methionine with isoleucine at codon 1004 of the CACNA1S protein. Computational prediction suggests that this variant may have deleterious impact on protein structure and function (internally defined REVEL score threshold >= 0.7, PMID: 27666373). To our knowledge, functional studies have not been reported for this variant. This variant has not been reported in individuals affected with CACNA1S-related disorders in the literature. This variant has not been identified in the general population by the Genome Aggregation Database (gnomAD). The available evidence is insufficient to determine the role of this variant in disease conclusively. Therefore, this variant is classified as a Variant of Uncertain Significance.

This study involves interpretation of variants in research participants for the purpose of population health screening. Participant phenotype was not available at the time of variant classification. Additional details can be found in publication PMID: 35346344, PMCID: PMC8962531

NM_000069.3(CACNA1S):c.3012G>C (p.Met1004Ile)

Gene: CACNA1S (calcium voltage-gated channel subunit alpha1 S; minus strand). Cytogenetic location: 1q32.1.
Variant type: single nucleotide variant.
Coding change: c.3012G>C on transcript NM_000069.3 (MANE Select); coding-DNA position 3012, G replaced by C.
Protein change: p.Met1004Ile; replaces methionine 1004 with isoleucine.
Molecular consequence: missense variant.
Genome position (GRCh38, 1-based): chr1:201,061,985, C>G on the plus strand (G>C on the coding strand, the complement: CACNA1S is on the minus strand). VCF-style: chr1-201061985-C-G. GRCh37 (hg19) VCF-style: chr1-201031113-C-G.
Other names: short protein forms M1004I.
Identifiers: ClinVar variation 3071998 (VCV003071998.1), dbSNP rs1157922902, ClinGen allele CA344163297.
Genomic context (GRCh38, chr1:201,061,985, plus strand): 5'-GGCCCCAGCCATCACTCACTGAGGCCATCCCTCGAAGGTGGAGACCGTGAAGAGGGACAT[C>G]ATGGCTGAGAGCACATTGTCGAAGTGGAAGTCGCTGTGTACCCACTCGCGGTGACGCAGC-3'
Protein context (NP_000060.2, residues 994-1014): DFHFDNVLSA[Met1004Ile]MSLFTVSTFE